The following is an entry in ClinVar:

NM_000069.3(CACNA1S):c.1810C>T (p.Leu604Phe)

Gene: CACNA1S (calcium voltage-gated channel subunit alpha1 S; minus strand). Cytogenetic location: 1q32.1.
Variant type: single nucleotide variant.
Coding change: c.1810C>T on transcript NM_000069.3 (MANE Select); coding-DNA position 1810, C replaced by T.
Protein change: p.Leu604Phe; replaces leucine 604 with phenylalanine.
Molecular consequence: missense variant.
Genome position (GRCh38, 1-based): chr1:201,076,937, G>A on the plus strand (C>T on the coding strand, the complement: CACNA1S is on the minus strand). VCF-style: chr1-201076937-G-A. GRCh37 (hg19) VCF-style: chr1-201046065-G-A.
Other names: short protein forms L604F.
Identifiers: ClinVar variation 4756507 (VCV004756507.1).
Genomic context (GRCh38, chr1:201,076,937, plus strand): 5'-CAGCAACCGTTCAGAAGGAGGGACACGCAGAGGGAGAGCCTACCTGGAAGACGCTGATGA[G>A]GGCTTGGGGAAAGTTGTCAAAGTTGCTGCGCCGTACTTCTGTGTCTTCAAAGTCATACCT-3'
Protein context (NP_000060.2, residues 594-614): RSNFDNFPQA[Leu604Phe]ISVFQVLTGE

ClinVar aggregate classification (germline): Uncertain significance (1 of 4 stars; one submission).

Conditions:
Malignant hyperthermia, susceptibility to, 5 (MHS5). Also called: CACNA1S-Related Malignant Hyperthermia Susceptibility. Identifiers: Orphanet 423, MedGen C1866077, MONDO:0011163, OMIM 601887.

gnomAD v4.1: 1 of 1,614,260 alleles (0.000062%); highest among the groups gnomAD compares: East Asian, 0.0022%; no homozygotes.

Submission:

Color Diagnostics, LLC DBA Color Health
Classification: Uncertain significance for Malignant hyperthermia, susceptibility to, 5. Last evaluated: 2025-09-22. Review status: criteria provided, single submitter. Criteria: ACMG Guidelines, 2015. Collection method: clinical testing. Allele origin: germline.
Comment: This missense variant replaces leucine with phenylalanine at codon 604 of the CACNA1S protein. Computational prediction suggests that this variant may have deleterious impact on protein structure and function. To our knowledge, functional studies have not been reported for this variant. This variant has not been reported in individuals affected with CACNA1S-related disorders in the literature. This variant has not been identified in the general population by the Genome Aggregation Database (gnomAD). The available evidence is insufficient to determine the role of this variant in disease conclusively. Therefore, this variant is classified as a Variant of Uncertain Significance.